The following is an entry in ClinVar:

ClinVar aggregate classification (germline): Benign/Likely benign. Review status: criteria provided, multiple submitters, no conflicts (2 of 4 stars). 9 submissions from 9 submitters: Benign (2); Likely benign (2). 5 of the submissions do not count toward it. Last evaluated 2023-05-04.

Conditions:
GATA4-related disorder. Also called: GATA4-related condition. Identifiers: MedGen CN860321.
GATA4-related congenital heart disease with or without pancreatic hypoplasia or diabetes. Also called: Structural congenital heart disease, multiple types - GATA4. Identifiers: MedGen CN323671, MONDO:0100009.
Testicular anomalies with or without congenital heart disease (TACHD). Identifiers: Orphanet 251510, MedGen C3809858, MONDO:0014239, OMIM 615542.
Congenital heart disease (CHD). Identifiers: MedGen C0152021, MONDO:0005453. Disease mechanism: unknown.

Allele frequency attached by ClinVar (database versions not stated): 1000 Genomes Project 0.00319; gnomAD exomes 0.00526; gnomAD 0.00539 and 0.00540; 1000 Genomes Project 30x 0.00297; TOPMed 0.00505; ExAC 0.00504; ESP Exome Variant Server 0.00507.
gnomAD v4.1: 11,726 of 1,610,336 alleles (0.73%); highest among the groups gnomAD compares: Non-Finnish European, 0.85%; 67 homozygotes.

Submissions (9):

Molecular Genetics, Royal Melbourne Hospital
Classification: Likely benign for Testicular anomalies with or without congenital heart disease. Last evaluated: 2023-05-04. Review status: criteria provided, single submitter. Criteria: ACMG Guidelines, 2015. Collection method: clinical testing. Allele origin: germline. Affected: yes.
Comment: European Non-Finnish population allele frequency is 0.7469% (rs147860174, 546/68036 alleles, 4 homozygotes in gnomAD v3.1). Based on the classification scheme RMH Modified ACMG/AMP Guidelines v1.5.1, this variant is classified as LIKELY BENIGN. Following criteria are met: BS1

Department of Pathology and Laboratory Medicine, Sinai Health System
Classification: Benign for structural congenital heart disease, multiple types - GATA4. Last evaluated: 2023-02-22. Review status: criteria provided, single submitter. Criteria: ACMG Guidelines, 2015. Collection method: research. Allele origin: germline.

Mendelics
Classification: Benign. Last evaluated: 2022-05-04. Review status: criteria provided, single submitter. Criteria: Mendelics Assertion Criteria 2019. Collection method: clinical testing. Allele origin: germline.

Breakthrough Genomics
Classification: Likely benign. Review status: criteria provided, single submitter. Criteria: ACMG Guidelines, 2015. Collection method: not provided. Allele origin: germline. Inheritance: Autosomal dominant inheritance. Affected: yes.

PreventionGenetics, part of Exact Sciences
Classification: Likely benign for GATA4-related condition. Last evaluated: 2021-07-09. Review status: no assertion criteria provided. Collection method: clinical testing. Allele origin: germline. Not counted in ClinVar's aggregate classification.
Comment: This variant is classified as likely benign based on ACMG/AMP sequence variant interpretation guidelines (Richards et al. 2015 PMID: 25741868, with internal and published modifications).

Central Research Laboratory, Sri Devaraj Urs Academy of Higher Education and Research
Classification: Pathogenic for Congenital heart disease. Last evaluated: 2017-01-07. Review status: no assertion criteria provided. Collection method: clinical testing. Allele origin: unknown. Affected: yes. Observed: 2 variant alleles. Not counted in ClinVar's aggregate classification.
Comment: This variant, NG_008177.2:g.78343G>A, leads to the disruption of ISS binding motif 1.

Dept of Molecular Genetics and Enzymology, National Research Centre
Classification: Uncertain significance. Review status: no assertion criteria provided. Collection method: not provided. Allele origin: unknown. Not counted in ClinVar's aggregate classification.
Comment: Ventricular septal defects and pulmonary stenosis
ClinVar note: Converted during submission from unknown to Uncertain significance.

Genome Diagnostics Laboratory, University Medical Center Utrecht
Classification: Likely benign. Review status: no assertion criteria provided. Collection method: clinical testing. Allele origin: germline. Affected: yes. Study: VKGL Data-share Consensus. Not counted in ClinVar's aggregate classification.

Joint Genome Diagnostic Labs from Nijmegen and Maastricht, Radboudumc and MUMC+
Classification: Likely benign. Review status: no assertion criteria provided. Collection method: clinical testing. Allele origin: germline. Affected: yes. Study: VKGL Data-share Consensus. Not counted in ClinVar's aggregate classification.

Literature cited by the submitters: PubMed 27426723 (cited by Central Research Laboratory, Sri Devaraj Urs Academy of Higher Education and Research).

NM_001308093.3(GATA4):c.912+25G>A

Gene: GATA4 (GATA binding protein 4). Cytogenetic location: 8p23.1.
Variant type: single nucleotide variant.
Coding change: c.912+25G>A on transcript NM_001308093.3 (MANE Select); 25 bases into the intron after coding-DNA position 912, G replaced by A.
Molecular consequence: intron variant.
Genome position (GRCh38, 1-based): chr8:11,750,261, G>A. VCF-style: chr8-11750261-G-A. GRCh37 (hg19) VCF-style: chr8-11607770-G-A.
Other names: c.291+25G>A (NM_001308094.2, NM_001374273.1); c.909+25G>A (NM_002052.5, NM_002052.4); c.165+1176G>A (NM_001374274.1).
Identifiers: ClinVar variation 139595 (VCV000139595.13), dbSNP rs147860174, ClinGen allele CA232591.